The following is an entry in ClinVar:

ClinVar aggregate classification (germline): Pathogenic. Review status: criteria provided, multiple submitters, no conflicts (2 of 4 stars). 3 submissions from 3 submitters: Pathogenic (2). 1 of the submissions does not count toward it. Last evaluated 2026-09-14.

Conditions:
Hereditary cancer-predisposing syndrome. Also called: Tumor predisposition; Neoplastic Syndromes, Hereditary; Hereditary Cancer Syndrome; Hereditary neoplastic syndrome. Identifiers: Orphanet 140162, MedGen C0027672, MeSH D009386, MONDO:0015356.
Familial adenomatous polyposis 1 (FAP1). Also called: POLYPOSIS, ADENOMATOUS INTESTINAL; FAMILIAL ADENOMATOUS POLYPOSIS 1, ATTENUATED. Identifiers: MedGen C2713442, MONDO:0021056, OMIM 175100. Disease mechanism: loss of function.

Submissions (3):

Ambry Genetics
Classification: Pathogenic for Hereditary cancer-predisposing syndrome. Last evaluated: 2026-09-14. Review status: criteria provided, single submitter. Criteria: Ambry Variant Classification Scheme 2023. Collection method: clinical testing. Allele origin: germline.
Comment: The c.1997_1999delTACinsA pathogenic mutation, located in coding exon 15 of the APC gene, results from the deletion of 3 nucleotides and insertion of one nucleotide causing a translational frameshift with a predicted alternate stop codon. This variant occurs at the 3' terminus of the gene, is not expected to trigger nonsense-mediated mRNA decay, and impacts the last 76% of the protein. However, premature stop codons are typically deleterious in nature and a significant portion of the protein is affected (Ambry internal data). This variant was reported in individual(s) with features consistent with APC-related familial adenomatous polyposis (Ambry internal data). This variant is considered to be rare based on population cohorts in the Genome Aggregation Database (gnomAD). Based on the supporting evidence, this variant is interpreted as a disease-causing mutation.

Myriad Genetics, Inc.
Classification: Pathogenic for Familial adenomatous polyposis 1. Last evaluated: 2025-03-04. Review status: criteria provided, single submitter. Criteria: Myriad Autosomal Dominant, Autosomal Recessive and X-Linked Classification Criteria (2023). Collection method: clinical testing. Allele origin: unknown.
Comment: This variant is considered pathogenic. This variant creates a termination codon and is predicted to result in premature protein truncation.

Mayo Clinic Laboratories, Mayo Clinic
Classification: Likely pathogenic. Review status: no assertion criteria provided. Collection method: research. Allele origin: unknown. Observed: 1 variant allele. Not counted in ClinVar's aggregate classification.

NM_000038.6(APC):c.1997_1999delinsA (p.Leu666_Gln667delinsTer)

Gene: APC (APC regulator of Wnt signaling pathway; plus strand). Cytogenetic location: 5q22.2.
Variant type: Indel.
Coding change: c.1997_1999delinsA on transcript NM_000038.6 (MANE Select); coding-DNA positions 1997 to 1999, TAC replaced by A.
Protein change: p.Leu666_Gln667delinsTer.
Molecular consequence: nonsense.
Genome position (GRCh38, 1-based): chr5:112,837,591-112,837,593, TAC replaced by A. VCF-style: chr5-112837591-TAC-A. GRCh37 (hg19) VCF-style: chr5-112173288-TAC-A.
Other names: c.1997_1999delinsA, p.Leu666_Gln667delinsTer (NM_001127510.3, NM_001354895.2); c.1943_1945delinsA, p.Leu648_Gln649delinsTer (NM_001127511.3); c.2051_2053delinsA, p.Leu684_Gln685delinsTer (NM_001354896.2); c.2027_2029delinsA, p.Leu676_Gln677delinsTer (NM_001354897.2); c.1922_1924delinsA, p.Leu641_Gln642delinsTer (NM_001354898.2); c.1913_1915delinsA, p.Leu638_Gln639delinsTer (NM_001354899.2); c.1874_1876delinsA, p.Leu625_Gln626delinsTer (NM_001354900.2); c.1820_1822delinsA, p.Leu607_Gln608delinsTer (NM_001354901.2); and 5 more.
Identifiers: ClinVar variation 217941 (VCV000217941.9), dbSNP rs863225323, ClinGen allele CA279774.